The following is an entry in ClinVar:

NM_001267550.2(TTN):c.44525C>T (p.Thr14842Ile)

Gene: TTN (titin; minus strand). Cytogenetic location: 2q31.2.
Variant type: single nucleotide variant.
Coding change: c.44525C>T on transcript NM_001267550.2 (MANE Select); coding-DNA position 44525, C replaced by T.
Protein change: p.Thr14842Ile; replaces threonine 14842 with isoleucine.
Molecular consequence: missense variant.
Genome position (GRCh38, 1-based): chr2:178,625,296, G>A on the plus strand (C>T on the coding strand, the complement: TTN is on the minus strand). VCF-style: chr2-178625296-G-A. GRCh37 (hg19) VCF-style: chr2-179490023-G-A.
Other names: c.44525C>T (NM_001267550.1); c.39602C>T, p.Thr13201Ile (NM_001256850.1); c.17330C>T, p.Thr5777Ile (NM_003319.4); c.36821C>T, p.Thr12274Ile (NM_133378.4); c.17705C>T, p.Thr5902Ile (NM_133432.3); c.17906C>T, p.Thr5969Ile (NM_133437.4); short protein forms T14842I, T12274I, T5902I, T13201I, T5969I, T5777I.
Identifiers: ClinVar variation 535068 (VCV000535068.5), dbSNP rs370782364, ClinGen allele CA1995623.

ClinVar aggregate classification (germline): Uncertain significance. Review status: criteria provided, multiple submitters, no conflicts (2 of 4 stars). 2 submissions from 2 submitters: Uncertain significance (2). Last evaluated 2026-10-13.

Conditions:
Dilated cardiomyopathy 1G (CMD1G). Identifiers: Orphanet 154, MedGen C1858763, MONDO:0011400, OMIM 604145.
Autosomal recessive limb-girdle muscular dystrophy type 2J (LGMDR10). Also called: Limb-girdle muscular dystrophy, type 2J; MUSCULAR DYSTROPHY, LIMB-GIRDLE, AUTOSOMAL RECESSIVE 10. Identifiers: Orphanet 140922, MedGen C1837342, MONDO:0012127, OMIM 608807.

Allele frequency attached by ClinVar (database versions not stated): gnomAD exomes 0.00001; TOPMed 0.00002; gnomAD 0.00003; ExAC 0.00001; ESP Exome Variant Server 0.00008.
gnomAD v4.1: 7 of 1,607,162 alleles (0.00044%); highest among the groups gnomAD compares: African/African-American, 0.0054%; no homozygotes.

Submissions (2):

GeneDx
Classification: Uncertain significance. Last evaluated: 2026-10-13. Review status: criteria provided, single submitter. Criteria: GeneDx Variant Classification Process June 2021. Collection method: clinical testing. Allele origin: germline.
Comment: Not observed at significant frequency in large population cohorts (gnomAD); Missense variant in a gene in which most reported pathogenic variants are truncating/loss of function; Has not been previously published as pathogenic or benign to our knowledge

Labcorp Genetics (formerly Invitae), Labcorp
Classification: Uncertain significance for Dilated cardiomyopathy 1G; Autosomal recessive limb-girdle muscular dystrophy type 2J. Last evaluated: 2017-11-07. Review status: criteria provided, single submitter. Criteria: Invitae Variant Classification Sherloc (09022015). Collection method: clinical testing. Allele origin: germline.